The following is an entry in ClinVar:

ClinVar aggregate classification (germline): Pathogenic (1 of 4 stars; one submission).

Conditions:
Primary ciliary dyskinesia. Also called: Ciliary dyskinesia. Identifiers: Orphanet 244, MedGen C0008780, MONDO:0016575, HP:0012265.

Submission:

Labcorp Genetics (formerly Invitae), Labcorp
Classification: Pathogenic for Primary ciliary dyskinesia. Last evaluated: 2026-01-12. Review status: criteria provided, single submitter. Criteria: Invitae Variant Classification Sherloc (09022015). Collection method: clinical testing. Allele origin: germline.
Comment: This sequence change creates a premature translational stop signal (p.Gln229*) in the DNAAF2 gene. It is expected to result in an absent or disrupted protein product. Loss-of-function variants in DNAAF2 are known to be pathogenic (PMID: 19052621, 24498942). This variant is not present in population databases (gnomAD no frequency). This variant has not been reported in the literature in individuals affected with DNAAF2-related conditions. For these reasons, this variant has been classified as Pathogenic.

Literature cited by the submitters: PubMed 19052621; PubMed 24498942.

NM_018139.3(DNAAF2):c.685C>T (p.Gln229Ter)

Gene: DNAAF2 (dynein axonemal assembly factor 2; minus strand). Cytogenetic location: 14q21.3.
Variant type: single nucleotide variant.
Coding change: c.685C>T on transcript NM_018139.3 (MANE Select); coding-DNA position 685, C replaced by T.
Protein change: p.Gln229Ter; replaces glutamine 229 with a stop codon.
Molecular consequence: nonsense.
Genome position (GRCh38, 1-based): chr14:49,634,465, G>A on the plus strand (C>T on the coding strand, the complement: DNAAF2 is on the minus strand). VCF-style: chr14-49634465-G-A. GRCh37 (hg19) VCF-style: chr14-50101183-G-A.
Other names: c.685C>T, p.Gln229Ter (NM_001083908.2); short protein forms Q229*.
Identifiers: ClinVar variation 4737919 (VCV004737919.1).